The following is an entry in ClinVar:

ClinVar aggregate classification (germline): Likely benign (0 of 4 stars; one submission).

Conditions:
BBS9-related disorder. Also called: BBS9-related condition.

Submission:

PreventionGenetics, part of Exact Sciences
Classification: Likely benign for BBS9-related condition. Last evaluated: 2024-05-28. Review status: no assertion criteria provided. Collection method: clinical testing. Allele origin: germline.
Comment: This variant is classified as likely benign based on ACMG/AMP sequence variant interpretation guidelines (Richards et al. 2015 PMID: 25741868, with internal and published modifications).

NM_198428.3(BBS9):c.1231T>C (p.Leu411=)

Gene: BBS9 (Bardet-Biedl syndrome 9; plus strand). Cytogenetic location: 7p14.3.
Variant type: single nucleotide variant.
Coding change: c.1231T>C on transcript NM_198428.3 (MANE Select); coding-DNA position 1231, T replaced by C.
Protein change: p.Leu411=; no amino-acid change (leucine 411 retained).
Molecular consequence: synonymous variant. On other transcripts: non-coding transcript variant (3).
Genome position (GRCh38, 1-based): chr7:33,340,929, T>C. VCF-style: chr7-33340929-T-C. GRCh37 (hg19) VCF-style: chr7-33380541-T-C.
Other names: c.1231T>C, p.Leu411= (NM_001033604.2, NM_001033605.2, NM_001348036.1 and 5 more transcripts); c.865T>C, p.Leu289= (NM_001348037.3, NM_001348044.3, NM_001348045.3 and 1 more transcripts); c.958T>C, p.Leu320= (NM_001348038.3, NM_001348039.3); c.1096T>C, p.Leu366= (NM_001348042.3).
Identifiers: ClinVar variation 3346199 (VCV003346199.1).